The following is an entry in ClinVar:

NM_000702.4(ATP1A2):c.2496G>A (p.Gln832=)

Gene: ATP1A2 (ATPase Na+/K+ transporting subunit alpha 2; plus strand). Cytogenetic location: 1q23.2.
Variant type: single nucleotide variant.
Coding change: c.2496G>A on transcript NM_000702.4 (MANE Select); coding-DNA position 2496, G replaced by A.
Protein change: p.Gln832=; no amino-acid change (glutamine 832 retained).
Molecular consequence: synonymous variant.
Genome position (GRCh38, 1-based): chr1:160,136,303, G>A. VCF-style: chr1-160136303-G-A. GRCh37 (hg19) VCF-style: chr1-160106093-G-A.
Identifiers: ClinVar variation 3031373 (VCV003031373.2), dbSNP rs751831101, ClinGen allele CA1194765.

ClinVar aggregate classification (germline): Likely benign (0 of 4 stars; one submission).

Conditions:
ATP1A2-related disorder. Also called: ATP1A2-related condition; ATP1A2-RELATED DISORDERS.

Allele frequency attached by ClinVar (database versions not stated): ExAC 0.00001.
gnomAD v4.1: 4 of 1,614,204 alleles (0.00025%); highest among the groups gnomAD compares: South Asian, 0.0033%; no homozygotes.

Submission:

PreventionGenetics, part of Exact Sciences
Classification: Likely benign for ATP1A2-related condition. Last evaluated: 2021-04-02. Review status: no assertion criteria provided. Collection method: clinical testing. Allele origin: germline.
Comment: This variant is classified as likely benign based on ACMG/AMP sequence variant interpretation guidelines (Richards et al. 2015 PMID: 25741868, with internal and published modifications).